The following is an entry in ClinVar:

NM_199420.4(POLQ):c.7037G>C (p.Arg2346Pro)

Gene: POLQ (DNA polymerase theta; minus strand). Cytogenetic location: 3q13.33.
Variant type: single nucleotide variant.
Coding change: c.7037G>C on transcript NM_199420.4 (MANE Select); coding-DNA position 7037, G replaced by C.
Protein change: p.Arg2346Pro; replaces arginine 2346 with proline.
Molecular consequence: missense variant.
Genome position (GRCh38, 1-based): chr3:121,460,165, C>G on the plus strand (G>C on the coding strand, the complement: POLQ is on the minus strand). VCF-style: chr3-121460165-C-G. GRCh37 (hg19) VCF-style: chr3-121179012-C-G.
Other names: short protein forms R2346P.
Identifiers: ClinVar variation 1756808 (VCV001756808.2), dbSNP rs78788065, ClinGen allele CA354107419.

ClinVar aggregate classification (germline): Uncertain significance (1 of 4 stars; one submission).

Submission:

Ambry Genetics
Classification: Uncertain significance. Last evaluated: 2022-07-12. Review status: criteria provided, single submitter. Criteria: Ambry Variant Classification Scheme 2023. Collection method: clinical testing. Allele origin: germline.
Comment: The p.R2346P variant (also known as c.7037G>C), located in coding exon 25 of the POLQ gene, results from a G to C substitution at nucleotide position 7037. The arginine at codon 2346 is replaced by proline, an amino acid with dissimilar properties. This amino acid position is conserved. In addition, the in silico prediction for this alteration is inconclusive. Since supporting evidence is limited at this time, the clinical significance of this alteration remains unclear.